The following is an entry in ClinVar:

NM_177438.3(DICER1):c.5382G>C (p.Glu1794Asp)

Gene: DICER1 (dicer 1, ribonuclease III; minus strand). Cytogenetic location: 14q32.13.
Variant type: single nucleotide variant.
Coding change: c.5382G>C on transcript NM_177438.3 (MANE Select); coding-DNA position 5382, G replaced by C.
Protein change: p.Glu1794Asp; replaces glutamic acid 1794 with aspartic acid.
Molecular consequence: missense variant. On other transcripts: intron variant (1).
Genome position (GRCh38, 1-based): chr14:95,091,348, C>G on the plus strand (G>C on the coding strand, the complement: DICER1 is on the minus strand). VCF-style: chr14-95091348-C-G. GRCh37 (hg19) VCF-style: chr14-95557685-C-G.
Other names: NM_177438.3(DICER1):c.5382G>C; p.Glu1794Asp; c.5382G>C, p.Glu1794Asp (NM_001271282.3, NM_001291628.2, NM_030621.4); c.5365-239G>C (NM_001195573.1); short protein forms E1794D.
Identifiers: ClinVar variation 825692 (VCV000825692.19), dbSNP rs766285402, ClinGen allele CA7330668.

ClinVar aggregate classification (germline): Uncertain significance. Review status: reviewed by expert panel (3 of 4 stars). 4 submissions from 4 submitters: Uncertain significance (1). 3 of the submissions do not count toward it. Last evaluated 2025-08-26.

Conditions:
DICER1-related tumor predisposition. Also called: DICER1-related pleuropulmonary blastoma cancer predisposition syndrome; DICER1 syndrome. Identifiers: Orphanet 284343, MedGen C3839822, MONDO:0100216.
Hereditary cancer-predisposing syndrome. Also called: Neoplastic Syndromes, Hereditary; Hereditary Cancer Syndrome; Hereditary neoplastic syndrome; Tumor predisposition. Identifiers: Orphanet 140162, MedGen C0027672, MeSH D009386, MONDO:0015356.

Allele frequency attached by ClinVar (database versions not stated): ExAC 0.00001; gnomAD exomes 0.00001.
gnomAD v4.1: 11 of 1,614,070 alleles (0.00068%); highest among the groups gnomAD compares: East Asian, 0.0022%; no homozygotes.

Submissions (4):

ClinGen DICER1 and miRNA-Processing Gene Variant Curation Expert Panel, ClinGen
Classification: Uncertain significance for DICER1-related tumor predisposition. Last evaluated: 2025-08-26. Review status: reviewed by expert panel. Criteria: ClinGen DICER1 ACMG Specifications DICER1 V1.4.0. Collection method: curation. Allele origin: germline. Inheritance: Autosomal dominant inheritance.
Comment: The NM_177438.2:c.5382G>C variant in DICER1 is a missense variant predicted to cause substitution of Glutamic Acid by Aspartic Acid at amino acid 1794 (p.Glu1794Asp). Although this variant has been observed in individuals undergoing genetic sequencing, to our knowledge, this variant has not been reported in individuals with DICER1-related tumor predisposition (PS4 not met; Internal lab contributors). This variant is absent from gnomAD v4.1.0 (PM2_Supporting). This variant resides within the RNase IIIb domain of DICER1 (PM1_Supporting; PMID: 31342592). In silico tools predict no damaging impact of the variant on protein function (REVEL: 0.228: MaxEntScan and SpliceAI: no effect on splicing) (BP4). In summary, this variant meets the criteria to be classified as Uncertain Significance for DICER1-related tumor predisposition based on the ACMG/AMP criteria applied, as specified by the ClinGen DICER1 VCEP: PM1_supporting, PM2_Supporting, BP4. (Bayesian Points: 1; VCEP specifications version 1.4.0, 08/26/2025).

Labcorp Genetics (formerly Invitae), Labcorp
Classification: Uncertain significance for DICER1-related tumor predisposition. Last evaluated: 2025-11-10. Review status: criteria provided, single submitter. Criteria: Invitae Variant Classification Sherloc (09022015). Collection method: clinical testing. Allele origin: germline. Not counted in ClinVar's aggregate classification.
Comment: This sequence change replaces glutamic acid, which is acidic and polar, with aspartic acid, which is acidic and polar, at codon 1794 of the DICER1 protein (p.Glu1794Asp). This variant is present in population databases (rs766285402, gnomAD 0.006%). This variant has not been reported in the literature in individuals affected with DICER1-related conditions. ClinVar contains an entry for this variant (Variation ID: 825692). Invitae Evidence Modeling of protein sequence and biophysical properties (such as structural, functional, and spatial information, amino acid conservation, physicochemical variation, residue mobility, and thermodynamic stability) indicates that this missense variant is not expected to disrupt DICER1 protein function with a negative predictive value of 95%. In summary, the available evidence is currently insufficient to determine the role of this variant in disease. Therefore, it has been classified as a Variant of Uncertain Significance.

Ambry Genetics
Classification: Uncertain significance for Hereditary cancer-predisposing syndrome. Last evaluated: 2025-06-20. Review status: criteria provided, single submitter. Criteria: Ambry Variant Classification Scheme 2023. Collection method: clinical testing. Allele origin: germline. Not counted in ClinVar's aggregate classification.
Comment: The p.E1794D variant (also known as c.5382G>C), located in coding exon 24 of the DICER1 gene, results from a G to C substitution at nucleotide position 5382. The glutamic acid at codon 1794 is replaced by aspartic acid, an amino acid with highly similar properties. This amino acid position is highly conserved in available vertebrate species. In addition, this alteration is predicted to be tolerated by in silico analysis. Since supporting evidence is limited at this time, the clinical significance of this alteration remains unclear.

GeneDx
Classification: Uncertain significance. Last evaluated: 2022-07-05. Review status: criteria provided, single submitter. Criteria: GeneDx Variant Classification Process June 2021. Collection method: clinical testing. Allele origin: germline. Affected: yes. Not counted in ClinVar's aggregate classification.
Comment: Not observed at significant frequency in large population cohorts (gnomAD); In silico analysis supports that this missense variant does not alter protein structure/function; Has not been previously published as pathogenic or benign to our knowledge